The following is an entry in ClinVar:

NM_001197293.3(DPYSL2):c.549G>A (p.Met183Ile)

Gene: DPYSL2 (dihydropyrimidinase like 2; plus strand). Cytogenetic location: 8p21.2.
Variant type: single nucleotide variant.
Coding change: c.549G>A on transcript NM_001197293.3 (MANE Select); coding-DNA position 549, G replaced by A.
Protein change: p.Met183Ile; replaces methionine 183 with isoleucine.
Molecular consequence: missense variant.
Genome position (GRCh38, 1-based): chr8:26,583,904, G>A. VCF-style: chr8-26583904-G-A. GRCh37 (hg19) VCF-style: chr8-26441420-G-A.
Other names: c.126G>A, p.Met42Ile (NM_001244604.2); c.234G>A, p.Met78Ile (NM_001386.6); short protein forms M183I, M42I, M78I.
Identifiers: ClinVar variation 5020358 (VCV005020358.1).

ClinVar aggregate classification (germline): Uncertain significance (1 of 4 stars; one submission).

Submission:

Dasa
Classification: Uncertain significance. Last evaluated: 2026-06-16. Review status: criteria provided, single submitter. Criteria: DASA Assertion Criteria. Collection method: clinical testing. Allele origin: germline.
Comment: NM_001197293.3(DPYSL2):c.549G>A (p.Met183Ile) is a missense variant that results in the substitution of methionine with isoleucine. This variant is rare in population databases. Computational prediction algorithms are consistent with a deleterious effect. The currently available literature and clinical evidence are not sufficient to establish a definitive association between this variant and the reported condition. Therefore, this variant is classified as a variant of uncertain significance.